The following is an entry in ClinVar:

ClinVar aggregate classification (germline): Uncertain significance. Review status: criteria provided, multiple submitters, no conflicts (2 of 4 stars). 2 submissions from 2 submitters: Uncertain significance (2). Last evaluated 2024-02-27.

Conditions:
Werner syndrome (WRN). Identifiers: Orphanet 902, MedGen C0043119, MONDO:0010196, OMIM 277700.
Inborn genetic diseases. Identifiers: MedGen C0950123, MeSH D030342.

Allele frequency attached by ClinVar (database versions not stated): ExAC 0.00001; gnomAD exomes below 0.00001.

Submissions (2):

Ambry Genetics
Classification: Uncertain significance for Inborn genetic diseases. Last evaluated: 2024-02-27. Review status: criteria provided, single submitter. Criteria: Ambry Variant Classification Scheme 2023. Collection method: clinical testing. Allele origin: germline.

Labcorp Genetics (formerly Invitae), Labcorp
Classification: Uncertain significance for Werner syndrome. Last evaluated: 2022-03-05. Review status: criteria provided, single submitter. Criteria: Invitae Variant Classification Sherloc (09022015). Collection method: clinical testing. Allele origin: germline.
Comment: This sequence change replaces asparagine, which is neutral and polar, with serine, which is neutral and polar, at codon 734 of the WRN protein (p.Asn734Ser). This variant is present in population databases (rs762358256, gnomAD 0.0009%). This variant has not been reported in the literature in individuals affected with WRN-related conditions. ClinVar contains an entry for this variant (Variation ID: 645056). Algorithms developed to predict the effect of missense changes on protein structure and function are either unavailable or do not agree on the potential impact of this missense change (SIFT: "Not Available"; PolyPhen-2: "Probably Damaging"; Align-GVGD: "Not Available"). In summary, the available evidence is currently insufficient to determine the role of this variant in disease. Therefore, it has been classified as a Variant of Uncertain Significance.

NM_000553.6(WRN):c.2201A>G (p.Asn734Ser)

Gene: WRN (WRN RecQ like helicase; plus strand). Cytogenetic location: 8p12.
Variant type: single nucleotide variant.
Coding change: c.2201A>G on transcript NM_000553.6 (MANE Select); coding-DNA position 2201, A replaced by G.
Protein change: p.Asn734Ser; replaces asparagine 734 with serine.
Molecular consequence: missense variant.
Genome position (GRCh38, 1-based): chr8:31,111,727, A>G. VCF-style: chr8-31111727-A-G. GRCh37 (hg19) VCF-style: chr8-30969243-A-G.
Other names: short protein forms N734S.
Identifiers: ClinVar variation 645056 (VCV000645056.3), dbSNP rs762358256, ClinGen allele CA4704669.
Genomic context (GRCh38, chr8:31,111,727, plus strand): 5'-TTGTACGTTGCTTAAATCTGAGAAATCCTCAGATCACCTGTACTGGTTTTGATCGACCAA[A>G]CCTGTATTTAGAAGTTAGGCGAAAAACAGGGAATATCCTTCAGGATCTGCAGCCATTTCT-3'
Protein context (NP_000544.2, residues 724-744): QITCTGFDRP[Asn734Ser]LYLEVRRKTG